The following is an entry in ClinVar:

NM_017777.4(MKS1):c.915+4A>T

Gene: MKS1 (MKS transition zone complex subunit 1; minus strand). Cytogenetic location: 17q22.
Variant type: single nucleotide variant.
Coding change: c.915+4A>T on transcript NM_017777.4 (MANE Select); 4 bases into the intron after coding-DNA position 915, A replaced by T.
Molecular consequence: intron variant.
Genome position (GRCh38, 1-based): chr17:58,212,374, T>A on the plus strand (A>T on the coding strand, the complement: MKS1 is on the minus strand). VCF-style: chr17-58212374-T-A. GRCh37 (hg19) VCF-style: chr17-56289735-T-A.
Other names: c.306+4A>T (NM_001321268.2); c.915+4A>T (NM_001330397.2, NM_001321269.2, NM_001411113.1).
Identifiers: ClinVar variation 2498715 (VCV002498715.28), dbSNP rs1451077128, ClinGen allele CA2580094427.

ClinVar aggregate classification (germline): Uncertain significance (1 of 4 stars; one submission).

Submission:

CeGaT Center for Human Genetics Tuebingen
Classification: Uncertain significance. Last evaluated: 2023-03-01. Review status: criteria provided, single submitter. Criteria: CeGaT Center For Human Genetics Tuebingen Variant Classification Criteria Version 2. Collection method: clinical testing. Allele origin: germline. Affected: yes. Observed: 4 variant alleles.
Comment: MKS1: PM2, PM3:Supporting, PP4, BP4